The following is an entry in ClinVar:

NM_133497.4(KCNV2):c.438_441del (p.Asp147fs)

Gene: KCNV2 (potassium voltage-gated channel modifier subfamily V member 2; plus strand). Cytogenetic location: 9p24.2.
Variant type: Microsatellite.
Coding change: c.438_441del on transcript NM_133497.4 (MANE Select); coding-DNA positions 438 to 441, 4 bases deleted (AGAC; older notation c.438_441delAGAC).
Protein change: p.Asp147fs; shifts the reading frame from aspartic acid 147.
Molecular consequence: frameshift variant.
Genome position (GRCh38, 1-based): chr9:2,718,177-2,718,180, AGAC deleted; deleting any 4 consecutive bases within chr9:2,718,172-2,718,180 gives the same sequence; the c. name uses the placement nearest the transcript's 3' end. VCF-style (leftmost placement, unchanged base first): chr9-2718171-GCAGA-G. GRCh37 (hg19) VCF-style: chr9-2718171-GCAGA-G.
Other names: short protein forms D147fs.
Identifiers: ClinVar variation 3544441 (VCV003544441.1).

ClinVar aggregate classification (germline): Pathogenic (1 of 4 stars; one submission).

Conditions:
Cone-rod dystrophy. Also called: Cone-rod degeneration; Cone/cone-rod dystrophy. Identifiers: Orphanet 1872, MedGen C4085590, MONDO:0015993, HP:0000548.

Submission:

Lab De Baere, Eye and Developmental Genetics Lab, Ghent University
Classification: Pathogenic for Cone-rod dystrophy. Last evaluated: 2024-10-01. Review status: criteria provided, single submitter. Criteria: ACMG Guidelines, 2015. Collection method: research. Allele origin: inherited. Affected: yes. Observed: 1 variant allele.
Comment: ACMG/AMP guidelines: PM2, PVS1, PM3_PP